The following is an entry in ClinVar:

ClinVar aggregate classification (germline): Conflicting classifications of pathogenicity. Review status: criteria provided, conflicting classifications (1 of 4 stars). 3 submissions from 3 submitters: Uncertain significance (2); Likely benign (1). Last evaluated 2025-09-02.

Conditions:
Cardiovascular phenotype. Identifiers: MedGen CN230736.
Hereditary cancer-predisposing syndrome. Also called: Tumor predisposition; Hereditary neoplastic syndrome; Neoplastic Syndromes, Hereditary; Hereditary Cancer Syndrome. Identifiers: Orphanet 140162, MedGen C0027672, MeSH D009386, MONDO:0015356.
Juvenile myelomonocytic leukemia (JMML). Also called: LEUKEMIA, JUVENILE MYELOMONOCYTIC, SOMATIC. Identifiers: Orphanet 86834, MedGen C0349639, MONDO:0011908, OMIM 607785, HP:0012209.
Café-au-lait macules with pulmonary stenosis (WTSN). Also called: PULMONIC STENOSIS WITH CAFE-AU-LAIT SPOTS. Identifiers: MedGen C0553586, MONDO:0008672, OMIM 193520.
Neurofibromatosis, familial spinal (FSNF). Identifiers: Orphanet 636, MedGen C1834235, MONDO:0008078, OMIM 162210. Disease mechanism: loss of function.
Neurofibromatosis, type 1 (NF1). Also called: VON RECKLINGHAUSEN DISEASE; Neurofibromatosis, type I; Peripheral type neurofibromatosis; NEUROFIBROMATOSIS, TYPE I, SOMATIC. Identifiers: Orphanet 636, MedGen C0027831, MONDO:0018975, OMIM 162200. Disease mechanism: loss of function.
Neurofibromatosis-Noonan syndrome (NFNS). Also called: NEUROFIBROMATOSIS WITH NOONAN PHENOTYPE. Identifiers: Orphanet 638, MedGen C2931482, MONDO:0011035, OMIM 601321. Disease mechanism: loss of function.

Submissions (3):

Labcorp Genetics (formerly Invitae), Labcorp
Classification: Likely benign for Neurofibromatosis, type 1. Last evaluated: 2025-09-02. Review status: criteria provided, single submitter. Criteria: Invitae Variant Classification Sherloc (09022015). Collection method: clinical testing. Allele origin: germline.

Ambry Genetics
Classification: Uncertain significance for Cardiovascular phenotype; Hereditary cancer-predisposing syndrome. Last evaluated: 2024-06-25. Review status: criteria provided, single submitter. Criteria: Ambry Variant Classification Scheme 2023. Collection method: clinical testing. Allele origin: germline.
Comment: The c.7050C>T variant (also known as p.C2350C), located in coding exon 47 of the NF1 gene, results from a C to T substitution at nucleotide position 7050. This nucleotide substitution does not change the amino acid at codon 2350. This nucleotide position is well conserved in available vertebrate species. In silico splice site analysis predicts that this alteration may result in the creation or strengthening of a novel splice donor site; however, direct evidence is insufficient at this time (Ambry internal data). Based on the available evidence, the clinical significance of this variant remains unclear.

Fulgent Genetics
Classification: Uncertain significance for Neurofibromatosis, type 1; Neurofibromatosis, familial spinal; Café-au-lait macules with pulmonary stenosis; Neurofibromatosis-Noonan syndrome; Juvenile myelomonocytic leukemia. Last evaluated: 2022-04-28. Review status: criteria provided, single submitter. Criteria: ACMG Guidelines, 2015. Collection method: clinical testing. Allele origin: unknown.

NM_001042492.3(NF1):c.7113C>T (p.Cys2371=)

Gene: NF1 (neurofibromin 1; plus strand). Cytogenetic location: 17q11.2.
Variant type: single nucleotide variant.
Coding change: c.7113C>T on transcript NM_001042492.3 (MANE Select); coding-DNA position 7113, C replaced by T.
Protein change: p.Cys2371=; no amino-acid change (cysteine 2371 retained).
Molecular consequence: synonymous variant.
Genome position (GRCh38, 1-based): chr17:31,343,059, C>T. VCF-style: chr17-31343059-C-T. GRCh37 (hg19) VCF-style: chr17-29670077-C-T.
Other names: c.7050C>T, p.Cys2350= (NM_000267.4).
Identifiers: ClinVar variation 1523573 (VCV001523573.10), dbSNP rs2069867490, ClinGen allele CA499236827.
Genomic context (GRCh38, chr17:31,343,059, plus strand): 5'-TCTTTAATAGAGTCCAGAGGAAGTATTTATGGCAATCCGGAATCCTCTGGAGTGGCACTG[C>T]AAGCAAATGGATCATTTTGTTGGACTCAATTTCAACTCTAACTTTAACTTTGCATTGGTT-3'
Protein context (NP_001035957.1, residues 2361-2381): MAIRNPLEWH[Cys2371=]KQMDHFVGLN